The following is an entry in ClinVar:

NM_000203.5(IDUA):c.42G>A (p.Leu14=)

Genes: SLC26A1 (solute carrier family 26 member 1; minus strand), IDUA (alpha-L-iduronidase; plus strand). Cytogenetic location: 4p16.3.
Variant type: single nucleotide variant.
Coding change: c.42G>A on transcript NM_000203.5 (MANE Select); coding-DNA position 42, G replaced by A.
Protein change: p.Leu14=; no amino-acid change (leucine 14 retained).
Molecular consequence: synonymous variant. On other transcripts: non-coding transcript variant (1), intron variant (1).
Genome position (GRCh38, 1-based): chr4:987,126, G>A. VCF-style: chr4-987126-G-A. GRCh37 (hg19) VCF-style: chr4-980914-G-A.
Other names: c.576+4002C>T (NM_134425.4).
Identifiers: ClinVar variation 1698618 (VCV001698618.1), dbSNP rs1021970063, ClinGen allele CA91144658.

ClinVar aggregate classification (germline): Likely benign (1 of 4 stars; one submission).

gnomAD v4.1: 1 of 1,440,330 alleles (0.000069%); highest among the groups gnomAD compares: Non-Finnish European, 0.000091%; no homozygotes.

Submission:

Women's Health and Genetics/Laboratory Corporation of America, LabCorp
Classification: Likely benign. Last evaluated: 2022-06-23. Review status: criteria provided, single submitter. Criteria: LabCorp Variant Classification Summary - May 2015. Collection method: clinical testing. Allele origin: germline.
Comment: Variant summary: IDUA c.42G>A alters a non-conserved nucleotide resulting in a synonymous change. 4/4 computational tools predict no significant impact on normal splicing. However, these predictions have yet to be confirmed by functional studies. The variant was absent in 31158 control chromosomes (gnomAD). The available data on variant occurrences in the general population are insufficient to allow any conclusion about variant significance. To our knowledge, no occurrence of c.42G>A in individuals affected with Mucopolysaccharidosis Type 1 and no experimental evidence demonstrating its impact on protein function have been reported. Two ClinVar submitters have assessed the variant since 2014: both classified the variant as likely benign. Based on the evidence outlined above, the variant was classified as likely benign.